The following is an entry in ClinVar:

ClinVar aggregate classification (germline): Conflicting classifications of pathogenicity. Review status: criteria provided, conflicting classifications (1 of 4 stars). 2 submissions from 2 submitters: Uncertain significance (1); Likely benign (1). Last evaluated 2025-09-17.

Conditions:
Familial temporal lobe epilepsy 7. Identifiers: Orphanet 101046, MedGen C4225327, MONDO:0014639, OMIM 616436.
Norman-Roberts syndrome (LIS2). Also called: Lissencephaly 2 (Norman-Roberts type). Identifiers: Orphanet 89844, MedGen C0796089, MONDO:0009760, OMIM 257320.

Allele frequency attached by ClinVar (database versions not stated): TOPMed 0.00007; gnomAD 0.00011; 1000 Genomes Project 30x 0.00016; 1000 Genomes Project 0.00020.
gnomAD v4.1: 26 of 1,613,990 alleles (0.0016%); highest among the groups gnomAD compares: African/African-American, 0.017%; no homozygotes.

Submissions (2):

Labcorp Genetics (formerly Invitae), Labcorp
Classification: Likely benign for Familial temporal lobe epilepsy 7; Norman-Roberts syndrome. Last evaluated: 2025-09-17. Review status: criteria provided, single submitter. Criteria: Invitae Variant Classification Sherloc (09022015). Collection method: clinical testing. Allele origin: germline.

Women's Health and Genetics/Laboratory Corporation of America, LabCorp
Classification: Uncertain significance. Last evaluated: 2025-02-24. Review status: criteria provided, single submitter. Criteria: LabCorp Variant Classification Summary - May 2015. Collection method: clinical testing. Allele origin: germline.
Comment: Variant summary: RELN c.4848G>T (p.Leu1616Phe) results in a non-conservative amino acid change located in the N-terminal subrepeat of tandem repeat unit 4 of reelin and related proteins of the encoded protein sequence. Four of five in-silico tools predict a damaging effect of the variant on protein function. The variant allele was found at a frequency of 2e-05 in 250512 control chromosomes. The available data on variant occurrences in the general population are insufficient to allow any conclusion about variant significance. To our knowledge, no occurrence of c.4848G>T in individuals affected with Epilepsy Familial Temporal Lobe 7 and no experimental evidence demonstrating its impact on protein function have been reported. ClinVar contains an entry for this variant (Variation ID: 858835). Based on the evidence outlined above, the variant was classified as uncertain significance.

NM_005045.4(RELN):c.4848G>T (p.Leu1616Phe)

Gene: RELN (reelin; minus strand). Cytogenetic location: 7q22.1.
Variant type: single nucleotide variant.
Coding change: c.4848G>T on transcript NM_005045.4 (MANE Select); coding-DNA position 4848, G replaced by T.
Protein change: p.Leu1616Phe; replaces leucine 1616 with phenylalanine.
Molecular consequence: missense variant.
Genome position (GRCh38, 1-based): chr7:103,566,312, C>A on the plus strand (G>T on the coding strand, the complement: RELN is on the minus strand). VCF-style: chr7-103566312-C-A. GRCh37 (hg19) VCF-style: chr7-103206759-C-A.
Other names: c.4848G>T, p.Leu1616Phe (NM_173054.3); short protein forms L1616F.
Identifiers: ClinVar variation 858835 (VCV000858835.11), dbSNP rs200733882, ClinGen allele CA4421395.